The following is an entry in ClinVar:

NM_000179.3(MSH6):c.1369G>C (p.Ala457Pro)

Gene: MSH6 (mutS homolog 6; plus strand). Cytogenetic location: 2p16.3.
Variant type: single nucleotide variant.
Coding change: c.1369G>C on transcript NM_000179.3 (MANE Select); coding-DNA position 1369, G replaced by C.
Protein change: p.Ala457Pro; replaces alanine 457 with proline.
Molecular consequence: missense variant.
Genome position (GRCh38, 1-based): chr2:47,799,352, G>C. VCF-style: chr2-47799352-G-C. GRCh37 (hg19) VCF-style: chr2-48026491-G-C.
Other names: c.979G>C, p.Ala327Pro (NM_001281492.2); c.463G>C, p.Ala155Pro (NM_001281493.2, NM_001281494.2); short protein forms A457P, A155P, A327P.
Identifiers: ClinVar variation 1463206 (VCV001463206.8), dbSNP rs267608052, ClinGen allele CA008546.

ClinVar aggregate classification (germline): Uncertain significance. Review status: criteria provided, multiple submitters, no conflicts (2 of 4 stars). 2 submissions from 2 submitters: Uncertain significance (2). Last evaluated 2023-05-01.

Conditions:
Hereditary nonpolyposis colorectal neoplasms. Identifiers: MedGen C0009405, MeSH D003123.
Hereditary cancer-predisposing syndrome. Also called: Tumor predisposition; Hereditary neoplastic syndrome; Hereditary Cancer Syndrome; Neoplastic Syndromes, Hereditary. Identifiers: Orphanet 140162, MedGen C0027672, MeSH D009386, MONDO:0015356.

Allele frequency attached by ClinVar (database versions not stated): gnomAD exomes below 0.00001; ExAC 0.00001.
gnomAD v4.1: 1 of 1,614,020 alleles (0.000062%); highest among the groups gnomAD compares: Non-Finnish European, 0.000085%; no homozygotes.

Submissions (2):

Ambry Genetics
Classification: Uncertain significance for Hereditary cancer-predisposing syndrome. Last evaluated: 2023-05-01. Review status: criteria provided, single submitter. Criteria: Ambry Variant Classification Scheme 2023. Collection method: clinical testing. Allele origin: germline.
Comment: The p.A457P variant (also known as c.1369G>C), located in coding exon 4 of the MSH6 gene, results from a G to C substitution at nucleotide position 1369. The alanine at codon 457 is replaced by proline, an amino acid with highly similar properties. This alteration has been identified in multiple individuals diagnosed with colorectal cancer; however, in all cases MSH6 c.3221delT was also identified. Phase of these two alterations was not documented (Klarskov L et al. Am J Surg Pathol, 2011 Sep;35:1391-9; Okkels H et al. Appl Immunohistochem Mol Morphol, 2012 Oct;20:470-7). This alteration was also identified in an individual diagnosed with a neuroblastoma. This individual also carried MSH6 c.3221delT, phase unknown (Therkildsen C et al. Eur J Neurol, 2015 Apr;22:717-24). This amino acid position is highly conserved in available vertebrate species. In addition, this alteration is predicted to be deleterious by in silico analysis. Since supporting evidence is limited at this time, the clinical significance of this alteration remains unclear.

Labcorp Genetics (formerly Invitae), Labcorp
Classification: Uncertain significance for Hereditary nonpolyposis colorectal neoplasms. Last evaluated: 2021-10-04. Review status: criteria provided, single submitter. Criteria: Invitae Variant Classification Sherloc (09022015). Collection method: clinical testing. Allele origin: germline.
Comment: This sequence change replaces alanine with proline at codon 457 of the MSH6 protein (p.Ala457Pro). The alanine residue is highly conserved and there is a small physicochemical difference between alanine and proline. This variant is present in population databases (rs267608052, ExAC 0.001%). This missense change has been observed in individual(s) with Lynch syndrome (PMID: 18566915). An algorithm developed specifically for the MSH6 gene suggests that this missense change is likely to be deleterious (PMID: 23621914). In summary, the available evidence is currently insufficient to determine the role of this variant in disease. Therefore, it has been classified as a Variant of Uncertain Significance.

Literature cited by the submitters: PubMed 21836479 (cited by Ambry Genetics); PubMed 22495361 (cited by Ambry Genetics); PubMed 25648859 (cited by Ambry Genetics); PubMed 18566915 (cited by Labcorp Genetics (formerly Invitae), Labcorp); PubMed 23621914 (cited by Labcorp Genetics (formerly Invitae), Labcorp).